The following is an entry in ClinVar:

NM_002485.5(NBN):c.2235-172C>T

Gene: NBN (nibrin; minus strand). Cytogenetic location: 8q21.3.
Variant type: single nucleotide variant.
Coding change: c.2235-172C>T on transcript NM_002485.5 (MANE Select); 172 bases into the intron before coding-DNA position 2235, C replaced by T.
Molecular consequence: intron variant.
Genome position (GRCh38, 1-based): chr8:89,935,784, G>A on the plus strand (C>T on the coding strand, the complement: NBN is on the minus strand). VCF-style: chr8-89935784-G-A. GRCh37 (hg19) VCF-style: chr8-90948012-G-A.
Other names: c.1989-172C>T (NM_001024688.3).
Identifiers: ClinVar variation 679702 (VCV000679702.2), dbSNP rs13312973, ClinGen allele CA181267882.
Genomic context (GRCh38, chr8:89,935,784, plus strand): 5'-CAATTTTGTCCTTAGGATCAGATACTAAGCACTGACATTTTTATTTTCATGTATCCCTTT[G>A]ATGTTGCTTTGATGAAAATATGGTAAAAACAAAAAAAAAATCAACAATAACAAAAATCCT-3'

ClinVar aggregate classification (germline): Benign. Review status: criteria provided, multiple submitters, no conflicts (2 of 4 stars). 2 submissions from 2 submitters: Benign (2). Last evaluated 2018-06-15.

Allele frequency attached by ClinVar (database versions not stated): gnomAD exomes 0.00582; gnomAD 0.06641 and 0.07093; 1000 Genomes Project 0.07508; TOPMed 0.07549; 1000 Genomes Project 30x 0.07979.
gnomAD v4.1: 10,860 of 292,352 alleles (3.7%); highest among the groups gnomAD compares: African/African-American, 22%; 1,046 homozygotes.

Submissions (2):

GeneDx
Classification: Benign. Last evaluated: 2018-06-15. Review status: criteria provided, single submitter. Criteria: GeneDx Variant Classification (06012015). Collection method: clinical testing. Allele origin: germline. Affected: yes.
Comment: This variant is considered likely benign or benign based on one or more of the following criteria: it is a conservative change, it occurs at a poorly conserved position in the protein, it is predicted to be benign by multiple in silico algorithms, and/or has population frequency not consistent with disease.

Breakthrough Genomics
Classification: Benign. Review status: criteria provided, single submitter. Criteria: ACMG Guidelines, 2015. Collection method: not provided. Allele origin: germline. Inheritance: Autosomal recessive inheritance. Affected: yes.